The following is an entry in ClinVar:

ClinVar aggregate classification (germline): Conflicting classifications of pathogenicity. Review status: criteria provided, conflicting classifications (1 of 4 stars). 3 submissions from 3 submitters: Uncertain significance (2); Benign (1). Last evaluated 2025-09-23.

Conditions:
Hereditary cancer-predisposing syndrome. Also called: Hereditary Cancer Syndrome; Hereditary neoplastic syndrome; Tumor predisposition; Neoplastic Syndromes, Hereditary. Identifiers: Orphanet 140162, MedGen C0027672, MeSH D009386, MONDO:0015356.
Ovarian cancer. Also called: OVARIAN CANCER, SOMATIC. Identifiers: Orphanet 213500, MedGen C1140680, MONDO:0008170, OMIM 167000.
Oligodontia-cancer predisposition syndrome. Also called: TOOTH AGENESIS-COLORECTAL CANCER SYNDROME. Identifiers: Orphanet 300576, MedGen C1837750, MONDO:0012075, OMIM 608615. Disease mechanism: loss of function.

Submissions (3):

Ambry Genetics
Classification: Uncertain significance for Hereditary cancer-predisposing syndrome. Last evaluated: 2025-09-23. Review status: criteria provided, single submitter. Criteria: Ambry Variant Classification Scheme 2023. Collection method: clinical testing. Allele origin: germline.
Comment: The p.H356Y variant (also known as c.1066C>T), located in coding exon 4 of the AXIN2 gene, results from a C to T substitution at nucleotide position 1066. The histidine at codon 356 is replaced by tyrosine, an amino acid with similar properties. This amino acid position is highly conserved in available vertebrate species. In addition, this alteration is predicted to be tolerated by in silico analysis. Based on the available evidence, the clinical significance of this variant remains unclear.

Labcorp Genetics (formerly Invitae), Labcorp
Classification: Uncertain significance for Oligodontia-cancer predisposition syndrome. Last evaluated: 2024-02-23. Review status: criteria provided, single submitter. Criteria: Invitae Variant Classification Sherloc (09022015). Collection method: clinical testing. Allele origin: germline.
Comment: This sequence change replaces histidine, which is basic and polar, with tyrosine, which is neutral and polar, at codon 356 of the AXIN2 protein (p.His356Tyr). This variant is not present in population databases (gnomAD no frequency). This variant has not been reported in the literature in individuals affected with AXIN2-related conditions. ClinVar contains an entry for this variant (Variation ID: 1963895). Advanced modeling of protein sequence and biophysical properties (such as structural, functional, and spatial information, amino acid conservation, physicochemical variation, residue mobility, and thermodynamic stability) performed at Invitae indicates that this missense variant is not expected to disrupt AXIN2 protein function with a negative predictive value of 80%. In summary, the available evidence is currently insufficient to determine the role of this variant in disease. Therefore, it has been classified as a Variant of Uncertain Significance.

Laboratory of Molecular Epidemiology of Birth Defects, West China Second University Hospital, Sichuan University
Classification: Benign for Ovarian cancer. Last evaluated: 2022-01-01. Review status: criteria provided, single submitter. Criteria: ACMG Guidelines, 2015. Collection method: clinical testing. Allele origin: germline. Affected: yes.

NM_004655.4(AXIN2):c.1066C>T (p.His356Tyr)

Gene: AXIN2 (axin 2; minus strand). Cytogenetic location: 17q24.1.
Variant type: single nucleotide variant.
Coding change: c.1066C>T on transcript NM_004655.4 (MANE Select); coding-DNA position 1066, C replaced by T.
Protein change: p.His356Tyr; replaces histidine 356 with tyrosine.
Molecular consequence: missense variant.
Genome position (GRCh38, 1-based): chr17:65,538,337, G>A on the plus strand (C>T on the coding strand, the complement: AXIN2 is on the minus strand). VCF-style: chr17-65538337-G-A. GRCh37 (hg19) VCF-style: chr17-63534455-G-A.
Other names: c.1066C>T, p.His356Tyr (NM_001363813.1); short protein forms H356Y.
Identifiers: ClinVar variation 1963895 (VCV001963895.9), dbSNP rs2544183326, ClinGen allele CA400678621.